The following is an entry in ClinVar:

NM_001323289.2(CDKL5):c.2297G>A (p.Ser766Asn)

Gene: CDKL5 (cyclin dependent kinase like 5; plus strand). Cytogenetic location: Xp22.13.
Variant type: single nucleotide variant.
Coding change: c.2297G>A on transcript NM_001323289.2 (MANE Select); coding-DNA position 2297, G replaced by A.
Protein change: p.Ser766Asn; replaces serine 766 with asparagine.
Molecular consequence: missense variant.
Genome position (GRCh38, 1-based): chrX:18,619,887, G>A. VCF-style: chrX-18619887-G-A. GRCh37 (hg19) VCF-style: chrX-18638007-G-A.
Other names: c.2297G>A, p.Ser766Asn (NM_001037343.2, NM_003159.3); short protein forms S766N.
Identifiers: ClinVar variation 2660101 (VCV002660101.24), dbSNP rs2518890488, ClinGen allele CA412363300.
Genomic context (GRCh38, chrX:18,619,887, plus strand): 5'-GATTGAAAAATCAATATGATAAAAATGTCTTCTCATTTAGGAAAAGTCCTGAAAATATTA[G>A]TCATTCAGAGCAACTCAAGGAAAAAGAGAAGCAAGGATTTTTCAGGTCAATGAAAAAGAA-3'
Protein context (NP_001310218.1, residues 756-776): FDPWKSPENI[Ser766Asn]HSEQLKEKEK

ClinVar aggregate classification (germline): Likely benign (1 of 4 stars; one submission).

Submission:

CeGaT Center for Human Genetics Tuebingen
Classification: Likely benign. Last evaluated: 2023-01-01. Review status: criteria provided, single submitter. Criteria: CeGaT Center For Human Genetics Tuebingen Variant Classification Criteria Version 2. Collection method: clinical testing. Allele origin: germline. Affected: yes. Observed: 1 variant allele.
Comment: CDKL5: PM2, BS2